The following is an entry in ClinVar:

ClinVar aggregate classification (germline): Likely pathogenic (1 of 4 stars; one submission).

Submission:

Mayo Clinic Laboratories, Mayo Clinic
Classification: Likely pathogenic. Last evaluated: 2019-08-22. Review status: criteria provided, single submitter. Criteria: ACMG Guidelines, 2015. Collection method: clinical testing. Allele origin: germline. Observed: 1 variant allele.
Comment: PVS1, PM2

NM_000342.4(SLC4A1):c.1626+1G>T

Gene: SLC4A1 (solute carrier family 4 member 1 (Diego blood group); minus strand). Cytogenetic location: 17q21.31.
Variant type: single nucleotide variant.
Coding change: c.1626+1G>T on transcript NM_000342.4 (MANE Select); the canonical splice donor site of the intron after coding-DNA position 1626, G replaced by T.
Molecular consequence: splice donor variant.
Genome position (GRCh38, 1-based): chr17:44,257,349, C>A on the plus strand (G>T on the coding strand, the complement: SLC4A1 is on the minus strand). VCF-style: chr17-44257349-C-A. GRCh37 (hg19) VCF-style: chr17-42334717-C-A.
Identifiers: ClinVar variation 1163107 (VCV001163107.5), dbSNP rs1192674860, ClinGen allele CA399784995.